The following is an entry in ClinVar:

NM_001164508.2(NEB):c.17848A>G (p.Lys5950Glu)

Gene: NEB (nebulin; minus strand). Cytogenetic location: 2q23.3.
Variant type: single nucleotide variant.
Coding change: c.17848A>G on transcript NM_001164508.2 (MANE Select); coding-DNA position 17848, A replaced by G.
Protein change: p.Lys5950Glu; replaces lysine 5950 with glutamic acid.
Molecular consequence: missense variant.
Genome position (GRCh38, 1-based): chr2:151,567,476, T>C on the plus strand (A>G on the coding strand, the complement: NEB is on the minus strand). VCF-style: chr2-151567476-T-C. GRCh37 (hg19) VCF-style: chr2-152423990-T-C.
Other names: c.17848A>G, p.Lys5950Glu (NM_001164507.2, NM_001271208.2); c.12745A>G, p.Lys4249Glu (NM_004543.5); short protein forms K5950E, K4249E.
Identifiers: ClinVar variation 1993508 (VCV001993508.1), dbSNP rs2552193826, ClinGen allele CA348804203.

ClinVar aggregate classification (germline): Uncertain significance (1 of 4 stars; one submission).

Conditions:
Nemaline myopathy 2 (NEM2). Also called: Nemaline myopathy 2, autosomal recessive. Identifiers: MedGen C1850569, MONDO:0009725, OMIM 256030.

Submission:

Labcorp Genetics (formerly Invitae), Labcorp
Classification: Uncertain significance for Nemaline myopathy 2. Last evaluated: 2022-05-12. Review status: criteria provided, single submitter. Criteria: Invitae Variant Classification Sherloc (09022015). Collection method: clinical testing. Allele origin: germline.
Comment: This sequence change replaces lysine, which is basic and polar, with glutamic acid, which is acidic and polar, at codon 5950 of the NEB protein (p.Lys5950Glu). This variant is not present in population databases (gnomAD no frequency). This variant has not been reported in the literature in individuals affected with NEB-related conditions. Algorithms developed to predict the effect of missense changes on protein structure and function are either unavailable or do not agree on the potential impact of this missense change (SIFT: "Deleterious"; PolyPhen-2: "Not Available"; Align-GVGD: "Class C0"). In summary, the available evidence is currently insufficient to determine the role of this variant in disease. Therefore, it has been classified as a Variant of Uncertain Significance.